The following is an entry in ClinVar:

NC_000009.12:g.91722526C>T

Gene: ROR2 (ROR family WNT receptor 2; minus strand). Cytogenetic location: 9q22.31.
Variant type: single nucleotide variant.
Genome position: GRCh38 VCF-style: chr9-91722526-C-T. GRCh37 (hg19) VCF-style: chr9-94484808-C-T.
Identifiers: ClinVar variation 4821099 (VCV004821099.4).

ClinVar aggregate classification (germline): Uncertain significance (1 of 4 stars; one submission).

Submission:

CeGaT Center for Human Genetics Tuebingen
Classification: Uncertain significance. Last evaluated: 2026-03-01. Review status: criteria provided, single submitter. Criteria: CeGaT Center For Human Genetics Tuebingen Variant Classification Criteria Version 2. Collection method: clinical testing. Allele origin: germline. Affected: yes. Observed: 1 variant allele.
Comment: ROR2: PM2, BP4